The following is an entry in ClinVar:

NM_001035.3(RYR2):c.4392del (p.Thr1464_Val1465insTer)

Gene: RYR2 (ryanodine receptor 2; plus strand). Cytogenetic location: 1q43.
Variant type: Deletion.
Coding change: c.4392del on transcript NM_001035.3 (MANE Select); coding-DNA position 4392, one base deleted (A; older notation c.4392delA).
Protein change: p.Thr1464_Val1465insTer.
Molecular consequence: frameshift variant.
Genome position (GRCh38, 1-based): chr1:237,593,592, A deleted. VCF-style (leftmost placement, unchanged base first): chr1-237593591-CA-C. GRCh37 (hg19) VCF-style: chr1-237756891-CA-C.
Identifiers: ClinVar variation 4537944 (VCV004537944.2).

ClinVar aggregate classification (germline): Uncertain significance (1 of 4 stars; one submission).

Submission:

GeneDx
Classification: Uncertain significance. Last evaluated: 2026-02-18. Review status: criteria provided, single submitter. Criteria: GeneDx Variant Classification Process June 2021. Collection method: clinical testing. Allele origin: germline.
Comment: Nonsense variant predicted to result in protein truncation or nonsense mediated decay in a gene or region of a gene for which loss of function is not a well-established mechanism of disease; Not observed at significant frequency in large population cohorts (gnomAD); Has not been previously published as pathogenic or benign to our knowledge